The following is an entry in ClinVar:

ClinVar aggregate classification (germline): Pathogenic (1 of 4 stars; one submission).

Conditions:
Fanconi anemia (FA). Also called: Fanconi's anemia. Identifiers: Orphanet 84, MedGen C0015625, MeSH D005199, MONDO:0019391.

Submission:

Labcorp Genetics (formerly Invitae), Labcorp
Classification: Pathogenic for Fanconi anemia. Last evaluated: 2023-05-22. Review status: criteria provided, single submitter. Criteria: Invitae Variant Classification Sherloc (09022015). Collection method: clinical testing. Allele origin: germline.
Comment: For these reasons, this variant has been classified as Pathogenic. This variant has not been reported in the literature in individuals affected with FANCD2-related conditions. This variant is not present in population databases (gnomAD no frequency). This sequence change creates a premature translational stop signal (p.Phe704Glufs*14) in the FANCD2 gene. It is expected to result in an absent or disrupted protein product. Loss-of-function variants in FANCD2 are known to be pathogenic (PMID: 17436244).

Literature cited by the submitters: PubMed 17436244.

NM_001018115.3(FANCD2):c.2109_2110insGAGGT (p.Phe704fs)

Genes: FANCD2 (FA complementation group D2; plus strand), LOC107303338 (3p25 FANCD2 Alu-mediated recombination region; plus strand). Cytogenetic location: 3p25.3.
Variant type: Insertion.
Coding change: c.2109_2110insGAGGT on transcript NM_001018115.3 (MANE Select); coding-DNA positions 2109 to 2110, GAGGT inserted.
Protein change: p.Phe704fs; shifts the reading frame from phenylalanine 704.
Molecular consequence: frameshift variant.
Genome position: GRCh38 VCF-style: chr3-10064816-G-GGAGGT. GRCh37 (hg19) VCF-style: chr3-10106500-G-GGAGGT.
Other names: c.2109_2110insGAGGT, p.Phe704fs (NM_001319984.2, NM_001374254.1, NM_033084.6); c.1998_1999insGAGGT, p.Phe667fs (NM_001374253.1); short protein forms F704fs, F667fs.
Identifiers: ClinVar variation 2867038 (VCV002867038.3), dbSNP rs2469968584, ClinGen allele CA2739279370.